The following is an entry in ClinVar:

ClinVar aggregate classification (germline): Uncertain significance (1 of 4 stars; one submission).

Submission:

Labcorp Genetics (formerly Invitae), Labcorp
Classification: Uncertain significance. Last evaluated: 2021-08-19. Review status: criteria provided, single submitter. Criteria: Invitae Variant Classification Sherloc (09022015). Collection method: clinical testing. Allele origin: germline.
Comment: In summary, the available evidence is currently insufficient to determine the role of this variant in disease. Therefore, it has been classified as a Variant of Uncertain Significance. Algorithms developed to predict the effect of missense changes on protein structure and function (SIFT, PolyPhen-2, Align-GVGD) all suggest that this variant is likely to be disruptive. This variant has not been reported in the literature in individuals affected with CEP19-related conditions. This variant is not present in population databases (ExAC no frequency). This sequence change replaces glutamic acid with glycine at codon 129 of the CEP19 protein (p.Glu129Gly). The glutamic acid residue is highly conserved and there is a moderate physicochemical difference between glutamic acid and glycine.

NM_032898.5(CEP19):c.374A>G (p.Glu125Gly)

Gene: CEP19 (centrosomal protein 19; minus strand). Cytogenetic location: 3q29.
Variant type: single nucleotide variant.
Coding change: c.374A>G on transcript NM_032898.5 (MANE Select); coding-DNA position 374, A replaced by G.
Protein change: p.Glu125Gly; replaces glutamic acid 125 with glycine.
Molecular consequence: missense variant.
Genome position (GRCh38, 1-based): chr3:196,707,669, T>C on the plus strand (A>G on the coding strand, the complement: CEP19 is on the minus strand). VCF-style: chr3-196707669-T-C. GRCh37 (hg19) VCF-style: chr3-196434540-T-C.
Other names: c.269A>G, p.Glu90Gly (NM_001379468.1); c.374A>G, p.Glu125Gly (NM_001379469.1, NM_001379470.1); short protein forms E125G, E90G.
Identifiers: ClinVar variation 1376423 (VCV001376423.6), dbSNP rs2108662645, ClinGen allele CA355634158.